The following is an entry in ClinVar:

NM_032776.3(JMJD1C):c.4732A>G (p.Ile1578Val)

Gene: JMJD1C (jumonji domain containing 1C; minus strand). Cytogenetic location: 10q21.3.
Variant type: single nucleotide variant.
Coding change: c.4732A>G on transcript NM_032776.3 (MANE Select); coding-DNA position 4732, A replaced by G.
Protein change: p.Ile1578Val; replaces isoleucine 1578 with valine.
Molecular consequence: missense variant. On other transcripts: non-coding transcript variant (1).
Genome position (GRCh38, 1-based): chr10:63,206,937, T>C on the plus strand (A>G on the coding strand, the complement: JMJD1C is on the minus strand). VCF-style: chr10-63206937-T-C. GRCh37 (hg19) VCF-style: chr10-64966697-T-C.
Other names: c.4186A>G, p.Ile1396Val (NM_001282948.2, NM_001318154.2); c.3868A>G, p.Ile1290Val (NM_001318153.2); c.4618A>G, p.Ile1540Val (NM_001322252.2); c.4075A>G, p.Ile1359Val (NM_001322254.2, NM_001322258.2); short protein forms I1359V, I1290V, I1396V, I1540V, I1578V.
Identifiers: ClinVar variation 1044340 (VCV001044340.8), dbSNP rs1846698306, ClinGen allele CA377036673.

ClinVar aggregate classification (germline): Uncertain significance (1 of 4 stars; one submission).

Conditions:
Early Myoclonic Encephalopathy. Identifiers: MedGen C0270855.

Allele frequency attached by ClinVar (database versions not stated): gnomAD exomes below 0.00001.
gnomAD v4.1: 2 of 1,612,368 alleles (0.00012%); highest among the groups gnomAD compares: South Asian, 0.0011%; no homozygotes.

Submission:

Labcorp Genetics (formerly Invitae), Labcorp
Classification: Uncertain significance for Early Myoclonic Encephalopathy. Last evaluated: 2022-08-16. Review status: criteria provided, single submitter. Criteria: Invitae Variant Classification Sherloc (09022015). Collection method: clinical testing. Allele origin: germline.
Comment: In summary, the available evidence is currently insufficient to determine the role of this variant in disease. Therefore, it has been classified as a Variant of Uncertain Significance. This sequence change replaces isoleucine, which is neutral and non-polar, with valine, which is neutral and non-polar, at codon 1578 of the JMJD1C protein (p.Ile1578Val). This variant is not present in population databases (gnomAD no frequency). This variant has not been reported in the literature in individuals affected with JMJD1C-related conditions. ClinVar contains an entry for this variant (Variation ID: 1044340). Algorithms developed to predict the effect of missense changes on protein structure and function (SIFT, PolyPhen-2, Align-GVGD) all suggest that this variant is likely to be tolerated.